The following is an entry in ClinVar:

ClinVar aggregate classification (germline): Uncertain significance. Review status: criteria provided, multiple submitters, no conflicts (2 of 4 stars). 2 submissions from 2 submitters: Uncertain significance (2). Last evaluated 2024-06-06.

Conditions:
Nephrotic syndrome, type 4 (NPHS4). Also called: Familial mesangial sclerosis; Nephrotic syndrome, early onset with diffuse mesangial sclerosis. Identifiers: Orphanet 656, MedGen C3151568, MONDO:0009733, OMIM 256370.
Drash syndrome (DDS). Also called: NEPHROPATHY, WILMS TUMOR, AND GENITAL ANOMALIES; WILMS TUMOR AND PSEUDO- OR TRUE HERMAPHRODITISM. Identifiers: Orphanet 220, MedGen C0950121, MONDO:0008682, OMIM 194080.
Wilms tumor 1 (WT1). Also called: Wilms tumor, somatic. Identifiers: Orphanet 654, MedGen CN033288, MONDO:0008679, OMIM 194070.
Frasier syndrome. Identifiers: Orphanet 347, MedGen C0950122, MeSH D052159, MONDO:0007635, OMIM 136680.
Meacham syndrome. Also called: Meacham Winn Culler syndrome. Identifiers: Orphanet 3097, MedGen C1837026, MONDO:0012164, OMIM 608978.
Mesothelioma, malignant (MESOM). Also called: Malignant mesothelioma (disease). Identifiers: Orphanet 50251, MedGen C0345967, MONDO:0006292, OMIM 156240, HP:0100001.
WT1-related disorder. Also called: WT1-related disorders. Identifiers: MedGen CN377814.

Submissions (2):

Fulgent Genetics
Classification: Uncertain significance for Frasier syndrome; Mesothelioma, malignant; Wilms tumor 1; Drash syndrome; Nephrotic syndrome, type 4; Meacham syndrome. Last evaluated: 2024-06-06. Review status: criteria provided, single submitter. Criteria: ACMG Guidelines, 2015. Collection method: clinical testing. Allele origin: germline.

PreventionGenetics, part of Exact Sciences
Classification: Uncertain significance for WT1-related condition. Last evaluated: 2023-01-12. Review status: criteria provided, single submitter. Criteria: ACMG Guidelines, 2015. Collection method: clinical testing. Allele origin: germline.
Comment: The WT1 c.1250G>A variant is predicted to result in the amino acid substitution p.Gly417Asp. This variant is located at the first nucleotide of the exon and is predicted to abolish the canonical splice acceptor site based on available splicing prediction programs (Alamut Visual Plus v1.6.1). However, such computer prediction programs are imperfect. To our knowledge, this variant has not been reported in the literature or in a large population database, indicating this variant is rare. Although we suspect that this variant may be pathogenic, at this time, the clinical significance of this variant is uncertain due to the absence of conclusive functional and genetic evidence.

NM_024426.6(WT1):c.1265G>A (p.Gly422Asp)

Gene: WT1 (WT1 transcription factor; minus strand). Cytogenetic location: 11p13.
Variant type: single nucleotide variant.
Coding change: c.1265G>A on transcript NM_024426.6 (MANE Select); coding-DNA position 1265, G replaced by A.
Protein change: p.Gly422Asp; replaces glycine 422 with aspartic acid.
Molecular consequence: missense variant. On other transcripts: non-coding transcript variant (2), intron variant (1).
Genome position (GRCh38, 1-based): chr11:32,392,755, C>T on the plus strand (G>A on the coding strand, the complement: WT1 is on the minus strand). VCF-style: chr11-32392755-C-T. GRCh37 (hg19) VCF-style: chr11-32414301-C-T.
Other names: c.1214G>A, p.Gly405Asp (NM_000378.6, NM_001407045.1, NM_001407049.1); c.614G>A, p.Gly205Asp (NM_001198551.2); c.563G>A, p.Gly188Asp (NM_001198552.2); c.77G>A, p.Gly26Asp (NM_001367854.1); c.1259G>A, p.Gly420Asp (NM_001407044.1); c.1265G>A, p.Gly422Asp (NM_001407046.1, NM_024424.5); c.1142G>A, p.Gly381Asp (NM_001407047.1); c.1091G>A, p.Gly364Asp (NM_001407050.1); and 3 more; short protein forms G381D, G400D, G405D, G417D, G420D, G422D, G168D, G188D.
Identifiers: ClinVar variation 2629839 (VCV002629839.2), dbSNP rs869025561, ClinGen allele CA379959445.
Genomic context (GRCh38, chr11:32,392,755, plus strand): 5'-TGGTCTGAACGAGAAAACCTTCGTTCACAGTCCTTGAAGTCACACTGGTATGGTTTCTCA[C>T]CTTGGGGAAGACACATATTCTATTTGAAAATGATACTGGAAAAGGGGATCTCATTAAAGG-3'
Protein context (NP_077744.4, residues 412-432): HLQMHSRKHT[Gly422Asp]EKPYQCDFKD